The following is an entry in ClinVar:

NM_020738.4(KIDINS220):c.4050dup (p.Gln1351fs)

Gene: KIDINS220 (kinase D interacting substrate 220; minus strand). Cytogenetic location: 2p25.1.
Variant type: Duplication.
Coding change: c.4050dup on transcript NM_020738.4 (MANE Select); coding-DNA position 4050, one base duplicated (G; older notation c.4050dupG).
Protein change: p.Gln1351fs; shifts the reading frame from glutamine 1351.
Molecular consequence: frameshift variant. On other transcripts: non-coding transcript variant (2).
Genome position (GRCh38, 1-based): chr2:8,733,447, C duplicated on the plus strand (G on the coding strand, the reverse complement: KIDINS220 is on the minus strand); the first of 2 consecutive C bases (chr2:8,733,447-8,733,448); duplicating either gives the same sequence. VCF-style (leftmost placement, unchanged base first): chr2-8733446-G-GC. GRCh37 (hg19) VCF-style: chr2-8873576-G-GC.
Other names: c.4053dup, p.Gln1352fs (NM_001348729.2); c.3996dup, p.Gln1333fs (NM_001348731.2); c.3993dup, p.Gln1332fs (NM_001348732.2, NM_001348738.2); c.3882dup, p.Gln1295fs (NM_001348734.2, NM_001348739.2, NM_001348740.2); c.3879dup, p.Gln1294fs (NM_001348735.2, NM_001348741.2, NM_001348742.2 and 1 more transcripts); c.3753dup, p.Gln1252fs (NM_001348736.2); short protein forms Q1333fs, Q1352fs, Q1294fs, Q1295fs, Q1351fs, Q1252fs, Q1332fs.
Identifiers: ClinVar variation 2319964 (VCV002319964.2), dbSNP rs2527424387, ClinGen allele CA2580068131.

ClinVar aggregate classification (germline): Likely pathogenic (1 of 4 stars; one submission).

Conditions:
Inborn genetic diseases. Identifiers: MedGen C0950123, MeSH D030342.

Submission:

Ambry Genetics
Classification: Likely pathogenic for Inborn genetic diseases. Last evaluated: 2022-12-05. Review status: criteria provided, single submitter. Criteria: Ambry Variant Classification Scheme 2023. Collection method: clinical testing. Allele origin: germline.
Comment: The c.4050dupG (p.Q1351Afs*21) alteration, located in exon 29 (coding exon 28) of the KIDINS220 gene, consists of a duplication of G at position 4050, causing a translational frameshift with a predicted alternate stop codon after 21 amino acids. This alteration occurs at the 3' terminus of the KIDINS220 gene, is not expected to trigger nonsense-mediated mRNA decay, and impacts the last 421aa of the protein._x000D_ _x000D_ Based on the available evidence, the KIDINS220 c.4050dupG (p.Q1351Afs*21) alteration is classified as likely pathogenic for autosomal dominant spastic paraplegia, intellectual disability, nystagmus, and obesity syndrome; however, the association of this alteration with autosomal recessive KIDINS220-related ventriculomegaly and arthrogryposis is unlikely. This variant was not reported in population-based cohorts in the Genome Aggregation Database (gnomAD). Based on the available evidence, this alteration is classified as likely pathogenic.